The following is an entry in ClinVar:

ClinVar aggregate classification (germline): Uncertain significance. Review status: criteria provided, multiple submitters, no conflicts (2 of 4 stars). 2 submissions from 2 submitters: Uncertain significance (2). Last evaluated 2024-05-26.

Conditions:
MEGF10-related myopathy (CMYO10A). Also called: Congenital myopathy 10A, severe variant. Identifiers: Orphanet 439212, MedGen C3280679, MONDO:0013731, OMIM 614399.
Inborn genetic diseases. Identifiers: MedGen C0950123, MeSH D030342.

Allele frequency attached by ClinVar (database versions not stated): gnomAD exomes 0.00001 and 0.00004; ExAC 0.00002; gnomAD 0.00014 and 0.00015; TOPMed 0.00014; ESP Exome Variant Server 0.00015.
gnomAD v4.1: 35 of 1,614,136 alleles (0.0022%); highest among the groups gnomAD compares: African/African-American, 0.043%; no homozygotes.

Submissions (2):

Ambry Genetics
Classification: Uncertain significance for Inborn genetic diseases. Last evaluated: 2024-05-26. Review status: criteria provided, single submitter. Criteria: Ambry Variant Classification Scheme 2023. Collection method: clinical testing. Allele origin: germline.

Labcorp Genetics (formerly Invitae), Labcorp
Classification: Uncertain significance for MEGF10-related myopathy. Last evaluated: 2022-04-11. Review status: criteria provided, single submitter. Criteria: Invitae Variant Classification Sherloc (09022015). Collection method: clinical testing. Allele origin: germline.
Comment: This sequence change replaces valine, which is neutral and non-polar, with leucine, which is neutral and non-polar, at codon 950 of the MEGF10 protein (p.Val950Leu). This variant is present in population databases (rs148280932, gnomAD 0.05%). This variant has not been reported in the literature in individuals affected with MEGF10-related conditions. Algorithms developed to predict the effect of missense changes on protein structure and function (SIFT, PolyPhen-2, Align-GVGD) all suggest that this variant is likely to be tolerated. In summary, the available evidence is currently insufficient to determine the role of this variant in disease. Therefore, it has been classified as a Variant of Uncertain Significance.

NM_001256545.2(MEGF10):c.2848G>C (p.Val950Leu)

Gene: MEGF10 (multiple EGF like domains 10; plus strand). Cytogenetic location: 5q23.2.
Variant type: single nucleotide variant.
Coding change: c.2848G>C on transcript NM_001256545.2 (MANE Select); coding-DNA position 2848, G replaced by C.
Protein change: p.Val950Leu; replaces valine 950 with leucine.
Molecular consequence: missense variant.
Genome position (GRCh38, 1-based): chr5:127,447,676, G>C. VCF-style: chr5-127447676-G-C. GRCh37 (hg19) VCF-style: chr5-126783368-G-C.
Other names: c.2848G>C, p.Val950Leu (NM_032446.3); c.2848G>C (NM_032446.2); short protein forms V950L.
Identifiers: ClinVar variation 1466866 (VCV001466866.4), dbSNP rs148280932, ClinGen allele CA3392030.